The following is an entry in ClinVar:

ClinVar aggregate classification (germline): Likely pathogenic (1 of 4 stars; one submission).

Conditions:
Primary ciliary dyskinesia. Also called: Ciliary dyskinesia. Identifiers: Orphanet 244, MedGen C0008780, MONDO:0016575, HP:0012265.

Allele frequency attached by ClinVar (database versions not stated): TOPMed 0.00001.

Submission:

Labcorp Genetics (formerly Invitae), Labcorp
Classification: Likely pathogenic for Primary ciliary dyskinesia. Last evaluated: 2025-05-22. Review status: criteria provided, single submitter. Criteria: Invitae Variant Classification Sherloc (09022015). Collection method: clinical testing. Allele origin: germline.
Comment: This sequence change affects a splice site in intron 2 of the RSPH9 gene. It is expected to disrupt RNA splicing. Variants that disrupt the donor or acceptor splice site typically lead to a loss of protein function (PMID: 16199547), and loss-of-function variants in RSPH9 are known to be pathogenic (PMID: 23993197, 25789548). This variant is not present in population databases (gnomAD no frequency). This variant has not been reported in the literature in individuals affected with RSPH9-related conditions. ClinVar contains an entry for this variant (Variation ID: 2182143). Algorithms developed to predict the effect of sequence changes on RNA splicing suggest that this variant may disrupt the consensus splice site. In summary, the currently available evidence indicates that the variant is pathogenic, but additional data are needed to prove that conclusively. Therefore, this variant has been classified as Likely Pathogenic.

Literature cited by the submitters: PubMed 16199547; PubMed 23993197; PubMed 25789548.

NM_152732.5(RSPH9):c.393+2del

Gene: RSPH9 (radial spoke head component 9; plus strand). Cytogenetic location: 6p21.1.
Variant type: Deletion.
Coding change: c.393+2del on transcript NM_152732.5 (MANE Select); the canonical splice donor site of the intron after coding-DNA position 393, one base deleted (T; older notation c.393+2delT).
Molecular consequence: splice donor variant.
Genome position (GRCh38, 1-based): chr6:43,650,542, T deleted. VCF-style (leftmost placement, unchanged base first): chr6-43650541-GT-G. GRCh37 (hg19) VCF-style: chr6-43618278-GT-G.
Other names: c.393+2del (NM_001424119.1, NM_001193341.2, NM_001424120.1 and 1 more transcripts).
Identifiers: ClinVar variation 2182143 (VCV002182143.2), dbSNP rs1771335561, ClinGen allele CA1624619315.